The following is an entry in ClinVar:

ClinVar aggregate classification (germline): Uncertain significance. Review status: criteria provided, multiple submitters, no conflicts (2 of 4 stars). 2 submissions from 2 submitters: Uncertain significance (2). Last evaluated 2024-10-06.

Conditions:
ANGPTL6-related disorder. Also called: ANGPTL6-related condition.

Submissions (2):

Ambry Genetics
Classification: Uncertain significance. Last evaluated: 2024-10-06. Review status: criteria provided, single submitter. Criteria: Ambry Variant Classification Scheme 2023. Collection method: clinical testing. Allele origin: germline.

PreventionGenetics, part of Exact Sciences
Classification: Uncertain significance for ANGPTL6-related condition. Last evaluated: 2022-11-10. Review status: criteria provided, single submitter. Criteria: ACMG Guidelines, 2015. Collection method: clinical testing. Allele origin: germline.
Comment: The ANGPTL6 c.1115A>C variant is predicted to result in the amino acid substitution p.His372Pro. To our knowledge, this variant has not been reported in the literature or in a large population database, indicating this variant is rare. At this time, the clinical significance of this variant is uncertain due to the absence of conclusive functional and genetic evidence.

NM_031917.3(ANGPTL6):c.1115A>C (p.His372Pro)

Gene: ANGPTL6 (angiopoietin like 6; minus strand). Cytogenetic location: 19p13.2.
Variant type: single nucleotide variant.
Coding change: c.1115A>C on transcript NM_031917.3 (MANE Select); coding-DNA position 1115, A replaced by C.
Protein change: p.His372Pro; replaces histidine 372 with proline.
Molecular consequence: missense variant.
Genome position (GRCh38, 1-based): chr19:10,093,456, T>G on the plus strand (A>C on the coding strand, the complement: ANGPTL6 is on the minus strand). VCF-style: chr19-10093456-T-G. GRCh37 (hg19) VCF-style: chr19-10204132-T-G.
Other names: c.1115A>C, p.His372Pro (NM_001321411.2, NM_001387347.1, NM_001387348.1); short protein forms H372P.
Identifiers: ClinVar variation 2635520 (VCV002635520.2), dbSNP rs1480689695, ClinGen allele CA403935333.